The following is an entry in ClinVar:

NM_001267550.2(TTN):c.159C>T (p.Gly53=)

Gene: TTN (titin; minus strand). Cytogenetic location: 2q31.2.
Variant type: single nucleotide variant.
Coding change: c.159C>T on transcript NM_001267550.2 (MANE Select); coding-DNA position 159, C replaced by T.
Protein change: p.Gly53=; no amino-acid change (glycine 53 retained).
Molecular consequence: synonymous variant.
Genome position (GRCh38, 1-based): chr2:178,802,274, G>A on the plus strand (C>T on the coding strand, the complement: TTN is on the minus strand). VCF-style: chr2-178802274-G-A. GRCh37 (hg19) VCF-style: chr2-179667001-G-A.
Other names: c.159C>T, p.Gly53= (NM_001256850.1, NM_003319.4, NM_133378.4 and 3 more transcripts).
Identifiers: ClinVar variation 626468 (VCV000626468.5), dbSNP rs1367693905, ClinGen allele CA430119362.

ClinVar aggregate classification (germline): Conflicting classifications of pathogenicity. Review status: criteria provided, conflicting classifications (1 of 4 stars). 3 submissions from 3 submitters: Uncertain significance (2); Likely benign (1). Last evaluated 2024-11-05.

Conditions:
Cardiovascular phenotype. Identifiers: MedGen CN230736.
Cardiomyopathy (CMYO). Also called: Cardiomyopathies. Identifiers: Orphanet 167848, MedGen C0878544, MONDO:0004994, HP:0001638. Inheritance: Various modes of inheritance.

Allele frequency attached by ClinVar (database versions not stated): TOPMed 0.00001.
gnomAD v4.1: 7 of 1,614,142 alleles (0.00043%); highest among the groups gnomAD compares: Non-Finnish European, 0.00059%; no homozygotes.

Submissions (3):

Blueprint Genetics
Classification: Likely benign. Last evaluated: 2024-11-05. Review status: criteria provided, single submitter. Criteria: ACMG Guidelines, 2015. Collection method: clinical testing. Allele origin: germline.

Ambry Genetics
Classification: Uncertain significance for Cardiovascular phenotype. Last evaluated: 2023-05-05. Review status: criteria provided, single submitter. Criteria: Ambry Variant Classification Scheme 2023. Collection method: clinical testing. Allele origin: germline.
Comment: The c.159C>T variant (also known as p.G53G), located in coding exon 2 of the TTN gene, results from a C to T substitution at nucleotide position 159. This nucleotide substitution does not change the glycine at codon 53. This nucleotide position is not well conserved in available vertebrate species. In silico splice site analysis for this alteration is inconclusive. Since supporting evidence is limited at this time, the clinical significance of this alteration remains unclear.

CHEO Genetics Diagnostic Laboratory, Children's Hospital of Eastern Ontario
Classification: Uncertain significance for Cardiomyopathy. Last evaluated: 2017-08-02. Review status: criteria provided, single submitter. Criteria: ACMG Guidelines, 2015. Collection method: clinical testing. Allele origin: germline. Study: Canadian Open Genetics Repository.